The following is an entry in ClinVar:

NM_001853.4(COL9A3):c.519+6C>T

Gene: COL9A3 (collagen type IX alpha 3 chain; plus strand). Cytogenetic location: 20q13.33.
Variant type: single nucleotide variant.
Coding change: c.519+6C>T on transcript NM_001853.4 (MANE Select); 6 bases into the intron after coding-DNA position 519, C replaced by T.
Molecular consequence: intron variant.
Genome position (GRCh38, 1-based): chr20:62,822,638, C>T. VCF-style: chr20-62822638-C-T. GRCh37 (hg19) VCF-style: chr20-61453990-C-T.
Identifiers: ClinVar variation 1436071 (VCV001436071.29), dbSNP rs1273555684, ClinGen allele CA636333445.

ClinVar aggregate classification (germline): Conflicting classifications of pathogenicity. Review status: criteria provided, conflicting classifications (1 of 4 stars). 2 submissions from 2 submitters: Uncertain significance (1); Likely benign (1). Last evaluated 2025-12-24.

Allele frequency attached by ClinVar (database versions not stated): gnomAD 0.00001; gnomAD exomes 0.00001.
gnomAD v4.1: 13 of 1,611,608 alleles (0.00081%); highest among the groups gnomAD compares: South Asian, 0.0044%; no homozygotes.

Submissions (2):

Labcorp Genetics (formerly Invitae), Labcorp
Classification: Uncertain significance. Last evaluated: 2025-12-24. Review status: criteria provided, single submitter. Criteria: Invitae Variant Classification Sherloc (09022015). Collection method: clinical testing. Allele origin: germline.
Comment: This sequence change falls in intron 10 of the COL9A3 gene. It does not directly change the encoded amino acid sequence of the COL9A3 protein. It affects a nucleotide within the consensus splice site. This variant is present in population databases (no rsID available, gnomAD 0.005%). This variant has not been reported in the literature in individuals affected with COL9A3-related conditions. ClinVar contains an entry for this variant (Variation ID: 1436071). Variants that disrupt the consensus splice site are a relatively common cause of aberrant splicing (PMID: 17576681, 9536098). Algorithms developed to predict the effect of sequence changes on RNA splicing suggest that this variant is not likely to affect RNA splicing. In summary, the available evidence is currently insufficient to determine the role of this variant in disease. Therefore, it has been classified as a Variant of Uncertain Significance.

CeGaT Center for Human Genetics Tuebingen
Classification: Likely benign. Last evaluated: 2023-02-01. Review status: criteria provided, single submitter. Criteria: CeGaT Center For Human Genetics Tuebingen Variant Classification Criteria Version 2. Collection method: clinical testing. Allele origin: germline. Affected: yes. Observed: 1 variant allele.
Comment: COL9A3: BP4

Literature cited by the submitters: PubMed 17576681 (cited by Labcorp Genetics (formerly Invitae), Labcorp); PubMed 9536098 (cited by Labcorp Genetics (formerly Invitae), Labcorp).